The following is an entry in ClinVar:

NM_000256.3(MYBPC3):c.1256G>C (p.Arg419Pro)

Gene: MYBPC3 (myosin binding protein C3; minus strand). Cytogenetic location: 11p11.2.
Variant type: single nucleotide variant.
Coding change: c.1256G>C on transcript NM_000256.3 (MANE Select); coding-DNA position 1256, G replaced by C.
Protein change: p.Arg419Pro; replaces arginine 419 with proline.
Molecular consequence: missense variant.
Genome position (GRCh38, 1-based): chr11:47,343,116, C>G on the plus strand (G>C on the coding strand, the complement: MYBPC3 is on the minus strand). VCF-style: chr11-47343116-C-G. GRCh37 (hg19) VCF-style: chr11-47364667-C-G.
Other names: short protein forms R419P.
Identifiers: ClinVar variation 3073821 (VCV003073821.1), dbSNP rs770030288, ClinGen allele CA077958.
Genomic context (GRCh38, chr11:47,343,116, plus strand): 5'-CCCACCACGCACTGGTAGGCTGCGTCGTCCGCCAATGAGCACTGGCTGATGGTCAGGGTA[C>G]GCTTGGCACCGATGGACTCAAAGATGTACCTGGGTGGGGGCCGCAGGGAAGTGGCAGGAA-3'
Protein context (NP_000247.2, residues 409-429): KYIFESIGAK[Arg419Pro]TLTISQCSLA

ClinVar aggregate classification (germline): Uncertain significance (1 of 4 stars; one submission).

Conditions:
Hypertrophic cardiomyopathy. Also called: HYPERTROPHIC MYOCARDIOPATHY. Identifiers: Orphanet 217569, MedGen C0007194, MeSH D002312, MONDO:0005045, HP:0001639.

Submission:

All of Us Research Program, National Institutes of Health
Classification: Uncertain significance for Hypertrophic cardiomyopathy. Last evaluated: 2023-10-06. Review status: criteria provided, single submitter. Criteria: ACMG Guidelines, 2015. Collection method: clinical testing. Allele origin: germline. Inheritance: Autosomal dominant inheritance. Observed: 1 variant allele, 1 heterozygote.
Comment: This missense variant replaces arginine with proline at codon 419 of the MYBPC3 protein. Computational prediction is inconclusive regarding the impact of this variant on protein structure and function (internally defined REVEL score threshold 0.5 < inconclusive < 0.7, PMID: 27666373). To our knowledge, functional studies have not been reported for this variant. This variant has not been reported in individuals affected with MYBPC3-related disorders in the literature. This variant has been identified in 1/243458 chromosomes in the general population by the Genome Aggregation Database (gnomAD). The available evidence is insufficient to determine the role of this variant in disease conclusively. Therefore, this variant is classified as a Variant of Uncertain Significance.

This study involves interpretation of variants in research participants for the purpose of population health screening. Participant phenotype was not available at the time of variant classification. Additional details can be found in publication PMID: 35346344, PMCID: PMC8962531